The following is an entry in ClinVar:

NM_006031.6(PCNT):c.7557C>T (p.Ser2519=)

Gene: PCNT (pericentrin; plus strand). Cytogenetic location: 21q22.3.
Variant type: single nucleotide variant.
Coding change: c.7557C>T on transcript NM_006031.6 (MANE Select); coding-DNA position 7557, C replaced by T.
Protein change: p.Ser2519=; no amino-acid change (serine 2519 retained).
Molecular consequence: synonymous variant.
Genome position (GRCh38, 1-based): chr21:46,428,457, C>T. VCF-style: chr21-46428457-C-T. GRCh37 (hg19) VCF-style: chr21-47848371-C-T.
Other names: c.7203C>T, p.Ser2401= (NM_001315529.2); c.7557C>T (NM_006031.5).
Identifiers: ClinVar variation 1586093 (VCV001586093.10), dbSNP rs1296234306, ClinGen allele CA512744394.

ClinVar aggregate classification (germline): Likely benign. Review status: criteria provided, single submitter (1 of 4 stars). 2 submissions from 2 submitters: Likely benign (1). 1 of the submissions does not count toward it. Last evaluated 2025-10-08.

Conditions:
PCNT-related disorder. Also called: PCNT-related condition.

Allele frequency attached by ClinVar (database versions not stated): TOPMed below 0.00001; gnomAD exomes 0.00001.
gnomAD v4.1: 17 of 1,612,462 alleles (0.0011%); highest among the groups gnomAD compares: East Asian, 0.0022%; no homozygotes.

Submissions (2):

Labcorp Genetics (formerly Invitae), Labcorp
Classification: Likely benign. Last evaluated: 2025-10-08. Review status: criteria provided, single submitter. Criteria: Invitae Variant Classification Sherloc (09022015). Collection method: clinical testing. Allele origin: germline.

PreventionGenetics, part of Exact Sciences
Classification: Likely benign for PCNT-related condition. Last evaluated: 2022-08-17. Review status: no assertion criteria provided. Collection method: clinical testing. Allele origin: germline. Not counted in ClinVar's aggregate classification.
Comment: This variant is classified as likely benign based on ACMG/AMP sequence variant interpretation guidelines (Richards et al. 2015 PMID: 25741868, with internal and published modifications).